The following is an entry in ClinVar:

ClinVar aggregate classification (germline): Uncertain significance (1 of 4 stars; one submission).

Conditions:
Neurodevelopmental disorder with or without early-onset generalized epilepsy. Identifiers: MedGen C5436914, MONDO:0030930, OMIM 619157.

Allele frequency attached by ClinVar (database versions not stated): gnomAD exomes below 0.00001; ExAC 0.00001.
gnomAD v4.1: 2 of 1,613,296 alleles (0.00012%); highest among the groups gnomAD compares: Middle Eastern, 0.017%; no homozygotes.

Submission:

3billion
Classification: Uncertain significance for Neurodevelopmental disorder with or without early-onset generalized epilepsy. Last evaluated: 2023-02-23. Review status: criteria provided, single submitter. Criteria: ACMG Guidelines, 2015. Collection method: clinical testing. Allele origin: unknown. Affected: yes.
Comment: The variant is not observed in the gnomAD v2.1.1 dataset. Missense changes are a common disease-causing mechanism. In silico tool predictions suggest no damaging effect of the variant on gene or gene product (REVEL: 0.13; 3Cnet: 0.06). A different missense change at the same codon (p.Arg2887Trp) has been reported to be associated with NBEA related disorder (ClinVar ID: VCV000973380). However the evidence of pathogenicity is insufficient at this time. Therefore, this variant is classified as VUS according to the recommendation of ACMG/AMP guideline.

NM_001385012.1(NBEA):c.8660G>A (p.Arg2887Gln)

Gene: NBEA (neurobeachin; plus strand). Cytogenetic location: 13q13.3.
Variant type: single nucleotide variant.
Coding change: c.8660G>A on transcript NM_001385012.1 (MANE Select); coding-DNA position 8660, G replaced by A.
Protein change: p.Arg2887Gln; replaces arginine 2887 with glutamine.
Molecular consequence: missense variant.
Genome position (GRCh38, 1-based): chr13:35,667,569, G>A. VCF-style: chr13-35667569-G-A. GRCh37 (hg19) VCF-style: chr13-36241706-G-A.
Other names: c.1976G>A, p.Arg659Gln (NM_001204197.3); c.8651G>A, p.Arg2884Gln (NM_001379245.1); c.8597G>A, p.Arg2866Gln (NM_015678.5); short protein forms R2866Q, R2884Q, R2887Q, R659Q.
Identifiers: ClinVar variation 2444422 (VCV002444422.1), dbSNP rs758639954, ClinGen allele CA6948014.